The following is an entry in ClinVar:

ClinVar aggregate classification (germline): Conflicting classifications of pathogenicity. Review status: criteria provided, conflicting classifications (1 of 4 stars). 3 submissions from 3 submitters: Uncertain significance (2); Likely benign (1). Last evaluated 2025-07-29.

Conditions:
Hereditary cancer-predisposing syndrome. Also called: Hereditary Cancer Syndrome; Neoplastic Syndromes, Hereditary; Hereditary neoplastic syndrome; Tumor predisposition. Identifiers: Orphanet 140162, MedGen C0027672, MeSH D009386, MONDO:0015356.
Bloom syndrome (BLM). Also called: Bloom-Torre-Machacek syndrome. Identifiers: Orphanet 125, MedGen C0005859, MONDO:0008876, OMIM 210900.

gnomAD v4.1: 2 of 1,614,094 alleles (0.00012%); highest among the groups gnomAD compares: Non-Finnish European, 0.00017%; no homozygotes.

Submissions (3):

Quest Diagnostics Nichols Institute San Juan Capistrano
Classification: Uncertain significance. Last evaluated: 2025-07-29. Review status: criteria provided, single submitter. Criteria: Quest Diagnostics criteria. Collection method: clinical testing. Allele origin: unknown.
Comment: The BLM c.2046T>G (p.Gly682=) synonymous variant has not been reported in individuals with BLM-related conditions in the published literature. This variant has not been reported in large, multi-ethnic general populations (Genome Aggregation Database). Analysis of this variant using software algorithms for the prediction of the effect of nucleotide changes on splicing yielded predictions that this variant does not affect BLM mRNA splicing. Based on the available information, we are unable to determine the clinical significance of this variant.

Labcorp Genetics (formerly Invitae), Labcorp
Classification: Likely benign for Bloom syndrome. Last evaluated: 2025-07-06. Review status: criteria provided, single submitter. Criteria: Invitae Variant Classification Sherloc (09022015). Collection method: clinical testing. Allele origin: germline.

Ambry Genetics
Classification: Uncertain significance for Hereditary cancer-predisposing syndrome. Last evaluated: 2024-08-14. Review status: criteria provided, single submitter. Criteria: Ambry Variant Classification Scheme 2023. Collection method: clinical testing. Allele origin: germline.
Comment: The c.2046T>G variant (also known as p.G682G), located in coding exon 7 of the BLM gene, results from a T to G substitution at nucleotide position 2046. This nucleotide substitution does not change the amino acid at codon 682. This nucleotide position is not well conserved in available vertebrate species. In silico splice site analysis for this alteration is inconclusive. Based on the available evidence, the clinical significance of this variant remains unclear.

NM_000057.4(BLM):c.2046T>G (p.Gly682=)

Gene: BLM (BLM RecQ like helicase; plus strand). Cytogenetic location: 15q26.1.
Variant type: single nucleotide variant.
Coding change: c.2046T>G on transcript NM_000057.4 (MANE Select); coding-DNA position 2046, T replaced by G.
Protein change: p.Gly682=; no amino-acid change (glycine 682 retained).
Molecular consequence: synonymous variant.
Genome position (GRCh38, 1-based): chr15:90,763,129, T>G. VCF-style: chr15-90763129-T-G. GRCh37 (hg19) VCF-style: chr15-91306359-T-G.
Other names: c.2046T>G, p.Gly682= (NM_001287246.2, NM_001287247.2); c.921T>G, p.Gly307= (NM_001287248.2); c.2046T>G (NM_000057.2, NM_000057.3).
Identifiers: ClinVar variation 1095704 (VCV001095704.11), dbSNP rs2151160778, ClinGen allele CA492158564.